The following is an entry in ClinVar:

NM_001318895.3(FHL2):c.501+5C>G

Genes: C2orf49 (chromosome 2 open reading frame 49; plus strand), FHL2 (four and a half LIM domains 2; minus strand). Cytogenetic location: 2q12.2.
Variant type: single nucleotide variant.
Coding change: c.501+5C>G on transcript NM_001318895.3 (MANE Select); 5 bases into the intron after coding-DNA position 501, C replaced by G.
Molecular consequence: intron variant.
Genome position (GRCh38, 1-based): chr2:105,367,565, G>C on the plus strand (C>G on the coding strand, the complement: FHL2 is on the minus strand). VCF-style: chr2-105367565-G-C. GRCh37 (hg19) VCF-style: chr2-105984022-G-C.
Other names: c.159+5C>G (NM_001318897.2, NM_001318898.2); c.501+5C>G (NM_001318896.2, NM_001039492.3, NM_001450.4 and 4 more transcripts); c.177+5C>G (NM_001318899.2).
Identifiers: ClinVar variation 2720994 (VCV002720994.3), dbSNP rs1440532005, ClinGen allele CA535101748.
Genomic context (GRCh38, chr2:105,367,565, plus strand): 5'-ACAGACATGGACCATGGAGGCAAACCAGCCAGAACGTGCAAGGGCCAAGGGGGCATCTGA[G>C]ATACCTTTTTGCACTGAACGCACTGCATGGCATGTTGTTTCTCATAGCAGGGCACACAGA-3'

ClinVar aggregate classification (germline): Uncertain significance (1 of 4 stars; one submission).

Conditions:
Primary dilated cardiomyopathy (DCM). Also called: Dilated Cardiomyopathy. Identifiers: Orphanet 217604, MedGen C0007193, MeSH D002311, MONDO:0005021, HP:0001644. Inheritance: Various modes of inheritance.

Allele frequency attached by ClinVar (database versions not stated): gnomAD exomes 0.00001.
gnomAD v4.1: 9 of 1,609,500 alleles (0.00056%); highest among the groups gnomAD compares: Non-Finnish European, 0.00076%; no homozygotes.

Submission:

Labcorp Genetics (formerly Invitae), Labcorp
Classification: Uncertain significance for Primary dilated cardiomyopathy. Last evaluated: 2024-04-01. Review status: criteria provided, single submitter. Criteria: Invitae Variant Classification Sherloc (09022015). Collection method: clinical testing. Allele origin: germline.
Comment: This sequence change falls in intron 6 of the FHL2 gene. It does not directly change the encoded amino acid sequence of the FHL2 protein. It affects a nucleotide within the consensus splice site. This variant is present in population databases (no rsID available, gnomAD 0.0009%). This variant has not been reported in the literature in individuals affected with FHL2-related conditions. Variants that disrupt the consensus splice site are a relatively common cause of aberrant splicing (PMID: 17576681, 9536098). Algorithms developed to predict the effect of sequence changes on RNA splicing suggest that this variant is not likely to affect RNA splicing. In summary, the available evidence is currently insufficient to determine the role of this variant in disease. Therefore, it has been classified as a Variant of Uncertain Significance.

Literature cited by the submitters: PubMed 17576681; PubMed 9536098.